The following is an entry in ClinVar:

ClinVar aggregate classification (germline): Uncertain significance. Review status: criteria provided, multiple submitters, no conflicts (2 of 4 stars). 2 submissions from 2 submitters: Uncertain significance (2). Last evaluated 2024-11-08.

Conditions:
Idiopathic Pulmonary Fibrosis. Also called: Idiopathic fibrosing alveolitis, chronic form; idiopathic fibrosing alveolitis. Identifiers: Orphanet 2032, MedGen C1800706, MeSH D054990, MONDO:0800504.
Dyskeratosis congenita, autosomal dominant 2. Identifiers: MedGen C3151443, MONDO:0013521, OMIM 613989.
Dyskeratosis congenita. Identifiers: Orphanet 1775, MedGen C0265965, MONDO:0015780.

Submissions (2):

Ambry Genetics
Classification: Uncertain significance for Dyskeratosis congenita. Last evaluated: 2024-11-08. Review status: criteria provided, single submitter. Criteria: Ambry Variant Classification Scheme 2023. Collection method: clinical testing. Allele origin: germline.
Comment: The p.R230L variant (also known as c.689G>T), located in coding exon 2 of the TERT gene, results from a G to T substitution at nucleotide position 689. The arginine at codon 230 is replaced by leucine, an amino acid with dissimilar properties. This amino acid position is conserved. In addition, this alteration is predicted to be tolerated by in silico analysis. Based on the available evidence, the clinical significance of this variant remains unclear.

Labcorp Genetics (formerly Invitae), Labcorp
Classification: Uncertain significance for Dyskeratosis congenita, autosomal dominant 2; Idiopathic Pulmonary Fibrosis. Last evaluated: 2021-09-19. Review status: criteria provided, single submitter. Criteria: Invitae Variant Classification Sherloc (09022015). Collection method: clinical testing. Allele origin: germline.
Comment: In summary, the available evidence is currently insufficient to determine the role of this variant in disease. Therefore, it has been classified as a Variant of Uncertain Significance. Advanced modeling of protein sequence and biophysical properties (such as structural, functional, and spatial information, amino acid conservation, physicochemical variation, residue mobility, and thermodynamic stability) performed at Invitae indicates that this missense variant is not expected to disrupt TERT protein function. This variant has not been reported in the literature in individuals affected with TERT-related conditions. This sequence change replaces arginine with leucine at codon 230 of the TERT protein (p.Arg230Leu). The arginine residue is weakly conserved and there is a moderate physicochemical difference between arginine and leucine. This variant is not present in population databases (ExAC no frequency).

NM_198253.3(TERT):c.689G>T (p.Arg230Leu)

Gene: TERT (telomerase reverse transcriptase; minus strand). Cytogenetic location: 5p15.33.
Variant type: single nucleotide variant.
Coding change: c.689G>T on transcript NM_198253.3 (MANE Select); coding-DNA position 689, G replaced by T.
Protein change: p.Arg230Leu; replaces arginine 230 with leucine.
Molecular consequence: missense variant. On other transcripts: non-coding transcript variant (2).
Genome position (GRCh38, 1-based): chr5:1,294,197, C>A on the plus strand (G>T on the coding strand, the complement: TERT is on the minus strand). VCF-style: chr5-1294197-C-A. GRCh37 (hg19) VCF-style: chr5-1294312-C-A.
Other names: c.689G>T, p.Arg230Leu (NM_001193376.3); c.689G>T (NM_198253.2); short protein forms R230L.
Identifiers: ClinVar variation 1500469 (VCV001500469.7), dbSNP rs957794083, ClinGen allele CA359057021.